The following is an entry in ClinVar:

ClinVar aggregate classification (germline): Uncertain significance. Review status: criteria provided, multiple submitters, no conflicts (2 of 4 stars). 2 submissions from 2 submitters: Uncertain significance (2). Last evaluated 2021-12-28.

Allele frequency attached by ClinVar (database versions not stated): gnomAD exomes below 0.00001; ExAC 0.00001; gnomAD 0.00001; TOPMed 0.00001.
gnomAD v4.1: 5 of 1,614,022 alleles (0.00031%); highest among the groups gnomAD compares: Non-Finnish European, 0.00042%; no homozygotes.

Submissions (2):

Labcorp Genetics (formerly Invitae), Labcorp
Classification: Uncertain significance. Last evaluated: 2021-12-28. Review status: criteria provided, single submitter. Criteria: Invitae Variant Classification Sherloc (09022015). Collection method: clinical testing. Allele origin: germline.
Comment: This sequence change replaces proline, which is neutral and non-polar, with threonine, which is neutral and polar, at codon 667 of the CNGB3 protein (p.Pro667Thr). This variant is present in population databases (rs746605655, gnomAD 0.0009%). This variant has not been reported in the literature in individuals affected with CNGB3-related conditions. Advanced modeling of protein sequence and biophysical properties (such as structural, functional, and spatial information, amino acid conservation, physicochemical variation, residue mobility, and thermodynamic stability) performed at Invitae indicates that this missense variant is not expected to disrupt CNGB3 protein function. In summary, the available evidence is currently insufficient to determine the role of this variant in disease. Therefore, it has been classified as a Variant of Uncertain Significance.

Blueprint Genetics
Classification: Uncertain significance. Last evaluated: 2019-09-27. Review status: criteria provided, single submitter. Criteria: ACMG Guidelines, 2015. Collection method: clinical testing. Allele origin: germline.

NM_019098.5(CNGB3):c.1999C>A (p.Pro667Thr)

Gene: CNGB3 (cyclic nucleotide gated channel subunit beta 3; minus strand). Cytogenetic location: 8q21.3.
Variant type: single nucleotide variant.
Coding change: c.1999C>A on transcript NM_019098.5 (MANE Select); coding-DNA position 1999, C replaced by A.
Protein change: p.Pro667Thr; replaces proline 667 with threonine.
Molecular consequence: missense variant.
Genome position (GRCh38, 1-based): chr8:86,578,793, G>T on the plus strand (C>A on the coding strand, the complement: CNGB3 is on the minus strand). VCF-style: chr8-86578793-G-T. GRCh37 (hg19) VCF-style: chr8-87591021-G-T.
Other names: short protein forms P667T.
Identifiers: ClinVar variation 2415602 (VCV002415602.4), dbSNP rs746605655, ClinGen allele CA4799828.